The following is an entry in ClinVar:

ClinVar aggregate classification (germline): Benign/Likely benign. Review status: criteria provided, multiple submitters, no conflicts (2 of 4 stars). 9 submissions from 7 submitters: Benign (8); Likely benign (1). Last evaluated 2026-02-04.

Conditions:
Schwartz-Jampel syndrome. Also called: Myotonic myopathy dwarfism chondrodystrophy and ocular and facial abnormalities. Identifiers: Orphanet 800, MedGen C0036391, MONDO:0009717.
Connective tissue disorder. Also called: Connective tissue disease. Identifiers: MedGen C0009782, MONDO:0003900.
Lethal Kniest-like syndrome (DDSH). Also called: Dyssegmental Dysplasia. Identifiers: Orphanet 1865, MedGen C1857100, MONDO:0009140, OMIM 224410.

Allele frequency attached by ClinVar (database versions not stated): 1000 Genomes Project 30x 0.03232; 1000 Genomes Project 0.03474; TOPMed 0.03639; gnomAD 0.03830 and 0.04032; ESP Exome Variant Server 0.04098; gnomAD exomes 0.04923 and 0.05834; ExAC 0.05090.
gnomAD v4.1: 91,127 of 1,612,894 alleles (5.6%); highest among the groups gnomAD compares: South Asian, 11%; 3,075 homozygotes.

Submissions (9):

Labcorp Genetics (formerly Invitae), Labcorp
Classification: Benign. Last evaluated: 2026-02-04. Review status: criteria provided, single submitter. Criteria: Invitae Variant Classification Sherloc (09022015). Collection method: clinical testing. Allele origin: germline.

Blueprint Genetics
Classification: Likely benign. Last evaluated: 2024-11-26. Review status: criteria provided, single submitter. Criteria: ACMG Guidelines, 2015. Collection method: clinical testing. Allele origin: germline.

Genome Diagnostics Laboratory, The Hospital for Sick Children
Classification: Benign for Connective tissue disorder. Last evaluated: 2022-06-03. Review status: criteria provided, single submitter. Criteria: ACMG Guidelines, 2015. Collection method: clinical testing. Allele origin: germline.

Genome-Nilou Lab
Classification: Benign for Lethal Kniest-like syndrome. Last evaluated: 2021-08-10. Review status: criteria provided, single submitter. Criteria: ACMG Guidelines, 2015. Collection method: clinical testing. Allele origin: germline. Affected: no.

Genome-Nilou Lab
Classification: Benign for Schwartz-Jampel syndrome type 1. Last evaluated: 2021-08-10. Review status: criteria provided, single submitter. Criteria: ACMG Guidelines, 2015. Collection method: clinical testing. Allele origin: germline. Affected: no.

GeneDx
Classification: Benign. Last evaluated: 2018-08-25. Review status: criteria provided, single submitter. Criteria: GeneDx Variant Classification Process June 2021. Collection method: clinical testing. Allele origin: germline. Affected: yes.

Illumina Laboratory Services, Illumina
Classification: Benign for Lethal Kniest-like syndrome. Last evaluated: 2018-01-13. Review status: criteria provided, single submitter. Criteria: ICSL Variant Classification Criteria 13 December 2019. Collection method: clinical testing. Allele origin: germline.
Comment: This variant was observed in the ICSL laboratory as part of a predisposition screen in an ostensibly healthy population. It had not been previously curated by ICSL or reported in the Human Gene Mutation Database (HGMD: prior to June 1st, 2018), and was therefore a candidate for classification through an automated scoring system. Utilizing variant allele frequency, disease prevalence and penetrance estimates, and inheritance mode, an automated score was calculated to assess if this variant is too frequent to cause the disease. Based on the score and internal cut-off values, a variant classified as benign is not then subjected to further curation. The score for this variant resulted in a classification of benign for this disease.

Illumina Laboratory Services, Illumina
Classification: Benign for Schwartz-Jampel syndrome type 1. Last evaluated: 2018-01-13. Review status: criteria provided, single submitter. Criteria: ICSL Variant Classification Criteria 13 December 2019. Collection method: clinical testing. Allele origin: germline.
Comment: the same text as in the submission from Illumina Laboratory Services, Illumina above.

Breakthrough Genomics
Classification: Benign. Review status: criteria provided, single submitter. Criteria: ACMG Guidelines, 2015. Collection method: not provided. Allele origin: germline. Inheritance: Autosomal recessive inheritance. Affected: yes.

NM_005529.7(HSPG2):c.6673G>A (p.Gly2225Ser)

Genes: HSPG2 (heparan sulfate proteoglycan 2; minus strand), LOC126805655 (CDK7 strongly-dependent group 2 enhancer GRCh37_chr1:22178409-22179608; plus strand). Cytogenetic location: 1p36.12.
Variant type: single nucleotide variant.
Coding change: c.6673G>A on transcript NM_005529.7 (MANE Select); coding-DNA position 6673, G replaced by A.
Protein change: p.Gly2225Ser; replaces glycine 2225 with serine.
Molecular consequence: missense variant.
Genome position (GRCh38, 1-based): chr1:21,852,751, C>T on the plus strand (G>A on the coding strand, the complement: HSPG2 is on the minus strand). VCF-style: chr1-21852751-C-T. GRCh37 (hg19) VCF-style: chr1-22179244-C-T.
Other names: c.6676G>A, p.Gly2226Ser (NM_001291860.2); c.6673G>A (NM_005529.6); short protein forms G2225S, G2226S.
Identifiers: ClinVar variation 295807 (VCV000295807.22), dbSNP rs35669711, ClinGen allele CA671459.